The following is an entry in ClinVar:

NM_212482.4(FN1):c.824C>T (p.Ser275Phe)

Gene: FN1 (fibronectin 1; minus strand). Cytogenetic location: 2q35.
Variant type: single nucleotide variant.
Coding change: c.824C>T on transcript NM_212482.4 (MANE Select); coding-DNA position 824, C replaced by T.
Protein change: p.Ser275Phe; replaces serine 275 with phenylalanine.
Molecular consequence: missense variant.
Genome position (GRCh38, 1-based): chr2:215,428,200, G>A on the plus strand (C>T on the coding strand, the complement: FN1 is on the minus strand). VCF-style: chr2-215428200-G-A. GRCh37 (hg19) VCF-style: chr2-216292923-G-A.
Other names: c.824C>T, p.Ser275Phe (NM_001365524.2, NM_002026.4, NM_054034.3 and 14 more transcripts); short protein forms S275F.
Identifiers: ClinVar variation 4762193 (VCV004762193.1).

ClinVar aggregate classification (germline): Uncertain significance (1 of 4 stars; one submission).

Submission:

Labcorp Genetics (formerly Invitae), Labcorp
Classification: Uncertain significance. Last evaluated: 2025-07-13. Review status: criteria provided, single submitter. Criteria: Invitae Variant Classification Sherloc (09022015). Collection method: clinical testing. Allele origin: germline.
Comment: This sequence change replaces serine, which is neutral and polar, with phenylalanine, which is neutral and non-polar, at codon 275 of the FN1 protein (p.Ser275Phe). This variant is not present in population databases (gnomAD no frequency). This variant has not been reported in the literature in individuals affected with FN1-related conditions. An algorithm developed to predict the effect of missense changes on protein structure and function (PolyPhen-2) suggests that this variant is likely to be tolerated. In summary, the available evidence is currently insufficient to determine the role of this variant in disease. Therefore, it has been classified as a Variant of Uncertain Significance.